The following is an entry in ClinVar:

ClinVar aggregate classification (germline): Likely benign (1 of 4 stars; one submission).

Submission:

Women's Health and Genetics/Laboratory Corporation of America, LabCorp
Classification: Likely benign. Last evaluated: 2024-07-11. Review status: criteria provided, single submitter. Criteria: LabCorp Variant Classification Summary - May 2015. Collection method: clinical testing. Allele origin: germline.
Comment: Variant summary: GALE c.937C>T alters a conserved nucleotide resulting in a synonymous change. Consensus agreement among computation tools predict no significant impact on normal splicing. However, these predictions have yet to be confirmed by functional studies. The variant was absent in 251230 control chromosomes. The available data on variant occurrences in the general population are insufficient to allow any conclusion about variant significance. To our knowledge, no occurrence of c.937C>T in individuals affected with UDPglucose-4-Epimerase Deficiency and no experimental evidence demonstrating its impact on protein function have been reported. No submitters have cited clinical-significance assessments for this variant to ClinVar. Based on the evidence outlined above, the variant was classified as likely benign.

NM_001008216.2(GALE):c.937C>T (p.Leu313=)

Gene: GALE (UDP-galactose-4-epimerase; minus strand). Cytogenetic location: 1p36.11.
Variant type: single nucleotide variant.
Coding change: c.937C>T on transcript NM_001008216.2 (MANE Select); coding-DNA position 937, C replaced by T.
Protein change: p.Leu313=; no amino-acid change (leucine 313 retained).
Molecular consequence: synonymous variant.
Genome position (GRCh38, 1-based): chr1:23,796,202, G>A on the plus strand (C>T on the coding strand, the complement: GALE is on the minus strand). VCF-style: chr1-23796202-G-A. GRCh37 (hg19) VCF-style: chr1-24122692-G-A.
Other names: c.937C>T, p.Leu313= (NM_000403.4, NM_001127621.2).
Identifiers: ClinVar variation 3338950 (VCV003338950.1).